The following is an entry in ClinVar:

ClinVar aggregate classification (germline): Uncertain significance (1 of 4 stars; one submission).

Conditions:
Neu-Laxova syndrome 2. Identifiers: Orphanet 2671, Orphanet 583602, MedGen C4015019, MONDO:0014466, OMIM 616038.

Submission:

Labcorp Genetics (formerly Invitae), Labcorp
Classification: Uncertain significance for Neu-Laxova syndrome 2. Last evaluated: 2022-01-17. Review status: criteria provided, single submitter. Criteria: Invitae Variant Classification Sherloc (09022015). Collection method: clinical testing. Allele origin: germline.
Comment: In summary, the available evidence is currently insufficient to determine the role of this variant in disease. Therefore, it has been classified as a Variant of Uncertain Significance. Algorithms developed to predict the effect of missense changes on protein structure and function are either unavailable or do not agree on the potential impact of this missense change (SIFT: "Deleterious"; PolyPhen-2: "Probably Damaging"; Align-GVGD: "Class C15"). This variant has not been reported in the literature in individuals affected with PSAT1-related conditions. This variant is not present in population databases (gnomAD no frequency). This sequence change replaces glycine, which is neutral and non-polar, with arginine, which is basic and polar, at codon 197 of the PSAT1 protein (p.Gly197Arg).

NM_058179.4(PSAT1):c.589G>C (p.Gly197Arg)

Gene: PSAT1 (phosphoserine aminotransferase 1; plus strand). Cytogenetic location: 9q21.2.
Variant type: single nucleotide variant.
Coding change: c.589G>C on transcript NM_058179.4 (MANE Select); coding-DNA position 589, G replaced by C.
Protein change: p.Gly197Arg; replaces glycine 197 with arginine.
Molecular consequence: missense variant.
Genome position (GRCh38, 1-based): chr9:78,308,432, G>C. VCF-style: chr9-78308432-G-C. GRCh37 (hg19) VCF-style: chr9-80923348-G-C.
Other names: c.589G>C, p.Gly197Arg (NM_021154.5); short protein forms G197R.
Identifiers: ClinVar variation 2086775 (VCV002086775.4), dbSNP rs2489650197, ClinGen allele CA373874020.